The following is an entry in ClinVar:

NM_000222.3(KIT):c.2170A>G (p.Met724Val)

Gene: KIT (KIT proto-oncogene, receptor tyrosine kinase; plus strand). Cytogenetic location: 4q12.
Variant type: single nucleotide variant.
Coding change: c.2170A>G on transcript NM_000222.3 (MANE Select); coding-DNA position 2170, A replaced by G.
Protein change: p.Met724Val; replaces methionine 724 with valine.
Molecular consequence: missense variant.
Genome position (GRCh38, 1-based): chr4:54,731,356, A>G. VCF-style: chr4-54731356-A-G. GRCh37 (hg19) VCF-style: chr4-55597522-A-G.
Other names: c.2158A>G, p.Met720Val (NM_001093772.2, NM_001385292.1); c.2173A>G, p.Met725Val (NM_001385284.1); c.2167A>G, p.Met723Val (NM_001385285.1); c.2155A>G, p.Met719Val (NM_001385286.1); c.2161A>G, p.Met721Val (NM_001385288.1); c.2170A>G, p.Met724Val (NM_001385290.1); short protein forms M724V, M720V, M719V, M721V, M723V, M725V.
Identifiers: ClinVar variation 577467 (VCV000577467.13), dbSNP rs1560420790, ClinGen allele CA356910198.
Genomic context (GRCh38, chr4:54,731,356, plus strand): 5'-GATTCAGTCATGACTTGTTTCATCTCTCCCAGCAGCGATAGTACTAATGAGTACATGGAC[A>G]TGAAACCTGGAGTTTCTTATGTTGTCCCAACCAAGGCCGACAAAAGGAGATCTGTGAGAA-3'
Protein context (NP_000213.1, residues 714-734): CSDSTNEYMD[Met724Val]KPGVSYVVPT

ClinVar aggregate classification (germline): Uncertain significance. Review status: criteria provided, multiple submitters, no conflicts (2 of 4 stars). 2 submissions from 2 submitters: Uncertain significance (2). Last evaluated 2024-09-06.

Conditions:
Hereditary cancer-predisposing syndrome. Also called: Hereditary Cancer Syndrome; Tumor predisposition; Neoplastic Syndromes, Hereditary; Hereditary neoplastic syndrome. Identifiers: Orphanet 140162, MedGen C0027672, MeSH D009386, MONDO:0015356.
Gastrointestinal stromal tumor. Also called: Gastrointestinal stromal tumor, somatic; Gastrointestinal stroma tumor. Identifiers: Orphanet 44890, MedGen C0238198, MeSH D046152, MONDO:0011719, OMIM 606764, HP:0100723.

Submissions (2):

Ambry Genetics
Classification: Uncertain significance for Hereditary cancer-predisposing syndrome. Last evaluated: 2024-09-06. Review status: criteria provided, single submitter. Criteria: Ambry Variant Classification Scheme 2023. Collection method: clinical testing. Allele origin: germline.
Comment: The p.M724V variant (also known as c.2170A>G), located in coding exon 15 of the KIT gene, results from an A to G substitution at nucleotide position 2170. The methionine at codon 724 is replaced by valine, an amino acid with highly similar properties. This amino acid position is conserved. In addition, the in silico prediction for this alteration is inconclusive. Since supporting evidence is limited at this time, the clinical significance of this alteration remains unclear.

Labcorp Genetics (formerly Invitae), Labcorp
Classification: Uncertain significance for Gastrointestinal stromal tumor. Last evaluated: 2023-09-05. Review status: criteria provided, single submitter. Criteria: Invitae Variant Classification Sherloc (09022015). Collection method: clinical testing. Allele origin: germline.
Comment: ClinVar contains an entry for this variant (Variation ID: 577467). This variant has not been reported in the literature in individuals affected with KIT-related conditions. This variant is not present in population databases (gnomAD no frequency). This sequence change replaces methionine, which is neutral and non-polar, with valine, which is neutral and non-polar, at codon 724 of the KIT protein (p.Met724Val). An algorithm developed to predict the effect of missense changes on protein structure and function (PolyPhen-2) suggests that this variant is likely to be disruptive. In summary, the available evidence is currently insufficient to determine the role of this variant in disease. Therefore, it has been classified as a Variant of Uncertain Significance.